The following is an entry in ClinVar:

NC_000019.9:g.(?_48945006)_(48947194_?)dup

Gene: GRIN2D (glutamate ionotropic receptor NMDA type subunit 2D; plus strand). Cytogenetic location: 19q13.33.
Variant type: Duplication.
Identifiers: ClinVar variation 1373329 (VCV001373329.5).

ClinVar aggregate classification (germline): Uncertain significance (1 of 4 stars; one submission).

Submission:

Labcorp Genetics (formerly Invitae), Labcorp
Classification: Uncertain significance. Last evaluated: 2023-08-03. Review status: criteria provided, single submitter. Criteria: Invitae Variant Classification Sherloc (09022015). Collection method: clinical testing. Allele origin: germline.
Comment: A similar copy number variant has been observed in individual(s) with clinical features of GRIN2D-related conditions (Invitae). In summary, the available evidence is currently insufficient to determine the role of this variant in disease. Therefore, it has been classified as a Variant of Uncertain Significance. Experimental studies and prediction algorithms are not available or were not evaluated, and the functional significance of this variant is currently unknown. This variant results in a copy number gain of the genomic region encompassing exon(s) 11-13 of the GRIN2D gene. This region includes the termination codon of the gene. This copy number gain extends beyond the assayed region for this gene and therefore may encompass additional genes. As the precise location of this event is unknown, it may be in tandem or it may be located elsewhere in the genome.